The following is an entry in ClinVar:

NM_003737.4(DCHS1):c.9022C>T (p.Pro3008Ser)

Gene: DCHS1 (dachsous cadherin-related 1; minus strand). Cytogenetic location: 11p15.4.
Variant type: single nucleotide variant.
Coding change: c.9022C>T on transcript NM_003737.4 (MANE Select); coding-DNA position 9022, C replaced by T.
Protein change: p.Pro3008Ser; replaces proline 3008 with serine.
Molecular consequence: missense variant.
Genome position (GRCh38, 1-based): chr11:6,622,654, G>A on the plus strand (C>T on the coding strand, the complement: DCHS1 is on the minus strand). VCF-style: chr11-6622654-G-A. GRCh37 (hg19) VCF-style: chr11-6643885-G-A.
Other names: short protein forms P3008S.
Identifiers: ClinVar variation 3271051 (VCV003271051.2).

ClinVar aggregate classification (germline): Uncertain significance. Review status: criteria provided, multiple submitters, no conflicts (2 of 4 stars). 2 submissions from 2 submitters: Uncertain significance (2). Last evaluated 2025-12-03.

Conditions:
Inborn genetic diseases. Identifiers: MedGen C0950123, MeSH D030342.

gnomAD v4.1: 4 of 1,591,942 alleles (0.00025%); highest among the groups gnomAD compares: African/African-American, 0.0027%; no homozygotes.

Submissions (2):

Labcorp Genetics (formerly Invitae), Labcorp
Classification: Uncertain significance. Last evaluated: 2025-12-03. Review status: criteria provided, single submitter. Criteria: Invitae Variant Classification Sherloc (09022015). Collection method: clinical testing. Allele origin: germline.
Comment: This sequence change replaces proline, which is neutral and non-polar, with serine, which is neutral and polar, at codon 3008 of the DCHS1 protein (p.Pro3008Ser). The frequency data for this variant in the population databases is considered unreliable, as metrics indicate poor data quality at this position in the gnomAD database. This variant has not been reported in the literature in individuals affected with DCHS1-related conditions. ClinVar contains an entry for this variant (Variation ID: 3271051). Invitae Evidence Modeling of protein sequence and biophysical properties (such as structural, functional, and spatial information, amino acid conservation, physicochemical variation, residue mobility, and thermodynamic stability) indicates that this missense variant is not expected to disrupt DCHS1 protein function with a negative predictive value of 80%. In summary, the available evidence is currently insufficient to determine the role of this variant in disease. Therefore, it has been classified as a Variant of Uncertain Significance.

Ambry Genetics
Classification: Uncertain significance for Inborn genetic diseases. Last evaluated: 2024-03-30. Review status: criteria provided, single submitter. Criteria: Ambry Variant Classification Scheme 2023. Collection method: clinical testing. Allele origin: germline.